The following is an entry in ClinVar:

ClinVar aggregate classification (germline): Pathogenic. Review status: criteria provided, multiple submitters, no conflicts (2 of 4 stars). 2 submissions from 2 submitters: Pathogenic (2). Last evaluated 2025-06-01.

Conditions:
Rare genetic deafness. Identifiers: Orphanet 96210, MedGen C5680250.

Submissions (2):

CeGaT Center for Human Genetics Tuebingen
Classification: Pathogenic. Last evaluated: 2025-06-01. Review status: criteria provided, single submitter. Criteria: CeGaT Center For Human Genetics Tuebingen Variant Classification Criteria Version 2. Collection method: clinical testing. Allele origin: germline. Affected: yes. Observed: 2 variant alleles.
Comment: MITF: PVS1, PM2

Laboratory for Molecular Medicine, Mass General Brigham Personalized Medicine
Classification: Pathogenic for Rare genetic deafness. Last evaluated: 2015-04-21. Review status: criteria provided, single submitter. Criteria: LMM Criteria. Collection method: clinical testing. Allele origin: germline. Inheritance: Autosomal dominant inheritance. Observed: 2 variant alleles.
Comment: The p.Ser235X variant in MITF has not been previously reported in individuals wi th hearing loss and was absent from large population studies. This nonsense vari ant leads to a premature termination codon at position 235, which is predicted t o lead to a truncated or absent protein. Haploinsufficiency due to heterozygous loss of function variants in the MITF gene is an established disease mechanism in Waardenburg syndrome type 2 (WS2). In summary, this variant meets our criteri a to be classified as pathogenic for Waardenburg syndrome in an autosomal domina nt manner based upon its pred icted impact to the protein.

NM_001354604.2(MITF):c.704C>G (p.Ser235Ter)

Gene: MITF (melanocyte inducing transcription factor; plus strand). Cytogenetic location: 3p13.
Variant type: single nucleotide variant.
Coding change: c.704C>G on transcript NM_001354604.2 (MANE Select); coding-DNA position 704, C replaced by G.
Protein change: p.Ser235Ter; replaces serine 235 with a stop codon.
Molecular consequence: nonsense.
Genome position (GRCh38, 1-based): chr3:69,941,273, C>G. VCF-style: chr3-69941273-C-G. GRCh37 (hg19) VCF-style: chr3-69990424-C-G.
Other names: c.383C>G, p.Ser128Ter (NM_000248.4, NM_198158.3); c.548C>G, p.Ser183Ter (NM_001184967.2, NM_001354608.2); c.701C>G, p.Ser234Ter (NM_001354605.2, NM_001354606.2, NM_006722.3); c.653C>G, p.Ser218Ter (NM_001354607.2); c.704C>G, p.Ser235Ter (NM_198159.3); c.656C>G, p.Ser219Ter (NM_198177.3); c.215C>G, p.Ser72Ter (NM_198178.3); short protein forms S128*, S235*, S219*, S72*, S218*, S234*, S183*.
Identifiers: ClinVar variation 228364 (VCV000228364.17), dbSNP rs876657700, ClinGen allele CA10576632.